The following is an entry in ClinVar:

NM_001868.4(CPA1):c.218A>G (p.Gln73Arg)

Gene: CPA1 (carboxypeptidase A1; plus strand). Cytogenetic location: 7q32.2.
Variant type: single nucleotide variant.
Coding change: c.218A>G on transcript NM_001868.4 (MANE Select); coding-DNA position 218, A replaced by G.
Protein change: p.Gln73Arg; replaces glutamine 73 with arginine.
Molecular consequence: missense variant.
Genome position (GRCh38, 1-based): chr7:130,381,700, A>G. VCF-style: chr7-130381700-A-G. GRCh37 (hg19) VCF-style: chr7-130021541-A-G.
Other names: short protein forms Q73R.
Identifiers: ClinVar variation 1358276 (VCV001358276.11), dbSNP rs781892742, ClinGen allele CA4484732.
Genomic context (GRCh38, chr7:130,381,700, plus strand): 5'-GGCGGGGGCCTGCCCACCCTGGCTCCCCCATCGACGTCCGAGTGCCCTTCCCCAGCATCC[A>G]GGCGGTCAAGATCTTTCTGGAGTCCCACGGCATCAGCTATGAGACCATGATCGAGGACGT-3'
Protein context (NP_001859.1, residues 63-83): IDVRVPFPSI[Gln73Arg]AVKIFLESHG

ClinVar aggregate classification (germline): Uncertain significance. Review status: criteria provided, multiple submitters, no conflicts (2 of 4 stars). 2 submissions from 2 submitters: Uncertain significance (2). Last evaluated 2024-09-22.

Conditions:
Hereditary pancreatitis (PCTT). Also called: PRSS1-Related Hereditary Pancreatitis; Hereditary chronic pancreatitis. Identifiers: Orphanet 676, MedGen C0238339, MONDO:0008185, OMIM 167800.

Allele frequency attached by ClinVar (database versions not stated): gnomAD exomes below 0.00001; ExAC 0.00001; gnomAD 0.00003 and 0.00004; TOPMed 0.00003.
gnomAD v4.1: 7 of 1,613,788 alleles (0.00043%); highest among the groups gnomAD compares: African/African-American, 0.0067%; no homozygotes.

Submissions (2):

Ambry Genetics
Classification: Uncertain significance for Hereditary pancreatitis. Last evaluated: 2024-09-22. Review status: criteria provided, single submitter. Criteria: Ambry Variant Classification Scheme 2023. Collection method: clinical testing. Allele origin: germline.
Comment: The p.Q73R variant (also known as c.218A>G), located in coding exon 3 of the CPA1 gene, results from an A to G substitution at nucleotide position 218. The glutamine at codon 73 is replaced by arginine, an amino acid with highly similar properties. This amino acid position is highly conserved in available vertebrate species. In addition, this alteration is predicted to be tolerated by in silico analysis. Since supporting evidence is limited at this time, the clinical significance of this alteration remains unclear.

Labcorp Genetics (formerly Invitae), Labcorp
Classification: Uncertain significance. Last evaluated: 2021-02-12. Review status: criteria provided, single submitter. Criteria: Invitae Variant Classification Sherloc (09022015). Collection method: clinical testing. Allele origin: germline.
Comment: In summary, the available evidence is currently insufficient to determine the role of this variant in disease. Therefore, it has been classified as a Variant of Uncertain Significance. Algorithms developed to predict the effect of missense changes on protein structure and function (SIFT, PolyPhen-2, Align-GVGD) all suggest that this variant is likely to be tolerated, but these predictions have not been confirmed by published functional studies and their clinical significance is uncertain. This variant has not been reported in the literature in individuals with CPA1-related conditions. This variant is present in population databases (rs781892742, ExAC 0.009%). This sequence change replaces glutamine with arginine at codon 73 of the CPA1 protein (p.Gln73Arg). The glutamine residue is highly conserved and there is a small physicochemical difference between glutamine and arginine.